The following is an entry in ClinVar:

ClinVar aggregate classification (germline): Uncertain significance (1 of 4 stars; one submission).

Conditions:
Tuberous sclerosis 1 (TSC1). Identifiers: Orphanet 805, MedGen C1854465, MONDO:0008612, OMIM 191100.

Submission:

Labcorp Genetics (formerly Invitae), Labcorp
Classification: Uncertain significance for Tuberous sclerosis 1. Last evaluated: 2024-11-03. Review status: criteria provided, single submitter. Criteria: Invitae Variant Classification Sherloc (09022015). Collection method: clinical testing. Allele origin: germline.
Comment: This sequence change replaces phenylalanine, which is neutral and non-polar, with valine, which is neutral and non-polar, at codon 707 of the TSC1 protein (p.Phe707Val). This variant is not present in population databases (gnomAD no frequency). This variant has not been reported in the literature in individuals affected with TSC1-related conditions. Invitae Evidence Modeling of protein sequence and biophysical properties (such as structural, functional, and spatial information, amino acid conservation, physicochemical variation, residue mobility, and thermodynamic stability) has been performed for this missense variant. However, the output from this modeling did not meet the statistical confidence thresholds required to predict the impact of this variant on TSC1 protein function. In summary, the available evidence is currently insufficient to determine the role of this variant in disease. Therefore, it has been classified as a Variant of Uncertain Significance.

NM_000368.5(TSC1):c.2119T>G (p.Phe707Val)

Gene: TSC1 (TSC complex subunit 1; minus strand). Cytogenetic location: 9q34.13.
Variant type: single nucleotide variant.
Coding change: c.2119T>G on transcript NM_000368.5 (MANE Select); coding-DNA position 2119, T replaced by G.
Protein change: p.Phe707Val; replaces phenylalanine 707 with valine.
Molecular consequence: missense variant. On other transcripts: non-coding transcript variant (4).
Genome position (GRCh38, 1-based): chr9:132,903,740, A>C on the plus strand (T>G on the coding strand, the complement: TSC1 is on the minus strand). VCF-style: chr9-132903740-A-C. GRCh37 (hg19) VCF-style: chr9-135779127-A-C.
Other names: c.1756T>G, p.Phe586Val (NM_001406618.1, NM_001406619.1, NM_001406624.1 and 5 more transcripts); c.1753T>G, p.Phe585Val (NM_001406620.1, NM_001406621.1, NM_001406622.1 and 2 more transcripts); c.1168T>G, p.Phe390Val (NM_001406626.1); c.1165T>G, p.Phe389Val (NM_001406627.1, NM_001406628.1); c.2119T>G, p.Phe707Val (NM_001406607.1, NM_001406592.1, NM_001406593.1 and 5 more transcripts); c.2116T>G, p.Phe706Val (NM_001406608.1, NM_001162426.2, NM_001406597.1 and 4 more transcripts); c.1966T>G, p.Phe656Val (NM_001162427.2, NM_001406610.1); c.2104T>G, p.Phe702Val (NM_001406601.1, NM_001406602.1); and 3 more; short protein forms F356V, F389V, F655V, F656V, F701V, F585V, F586V, F706V.
Identifiers: ClinVar variation 3720841 (VCV003720841.2).